The following is an entry in ClinVar:

ClinVar aggregate classification (germline): Likely pathogenic (1 of 4 stars; one submission).

Allele frequency attached by ClinVar (database versions not stated): gnomAD exomes below 0.00001.
gnomAD v4.1: 1 of 1,611,644 alleles (0.000062%); highest among the groups gnomAD compares: Non-Finnish European, 0.000085%; no homozygotes.

Submission:

GeneDx
Classification: Likely pathogenic. Last evaluated: 2024-05-13. Review status: criteria provided, single submitter. Criteria: GeneDx Variant Classification Process June 2021. Collection method: clinical testing. Allele origin: germline. Affected: yes.
Comment: Canonical splice site variant predicted to result in a null allele in a gene for which loss of function is a known mechanism of disease; Not observed at significant frequency in large population cohorts (gnomAD); Has not been previously published as pathogenic or benign to our knowledge

NM_001286577.2(C2CD3):c.955+1G>A

Genes: C2CD3 (C2 domain containing 3 centriole elongation regulator; minus strand), LOC121392929 (Sharpr-MPRA regulatory region 9619; plus strand). Cytogenetic location: 11q13.4.
Variant type: single nucleotide variant.
Coding change: c.955+1G>A on transcript NM_001286577.2 (MANE Select); the canonical splice donor site of the intron after coding-DNA position 955, G replaced by A.
Molecular consequence: splice donor variant.
Genome position (GRCh38, 1-based): chr11:74,138,719, C>T on the plus strand (G>A on the coding strand, the complement: C2CD3 is on the minus strand). VCF-style: chr11-74138719-C-T. GRCh37 (hg19) VCF-style: chr11-73849764-C-T.
Other names: c.955+1G>A (NM_015531.6).
Identifiers: ClinVar variation 2581780 (VCV002581780.2), dbSNP rs1590915496, ClinGen allele CA381816383.